The following is an entry in ClinVar:

NM_133433.4(NIPBL):c.3574+12_3574+16del

Gene: NIPBL (NIPBL cohesin loading factor; plus strand). Cytogenetic location: 5p13.2.
Variant type: Deletion.
Coding change: c.3574+12_3574+16del on transcript NM_133433.4 (MANE Select); bases 12 to 16 of the intron after coding-DNA position 3574, 5 bases deleted (GTTTA; older notation c.3574+12_3574+16delGTTTA).
Molecular consequence: intron variant.
Genome position (GRCh38, 1-based): chr5:37,000,900-37,000,904, GTTTA deleted; deleting any 5 consecutive bases within chr5:37,000,897-37,000,904 gives the same sequence; the c. name uses the placement nearest the transcript's 3' end. VCF-style (leftmost placement, unchanged base first): chr5-37000896-GTTAGT-G. GRCh37 (hg19) VCF-style: chr5-37000998-GTTAGT-G.
Other names: c.3574+12_3574+16del (NM_015384.5).
Identifiers: ClinVar variation 2914304 (VCV002914304.3), dbSNP rs1487150947, ClinGen allele CA559295130.
Genomic context (GRCh38, chr5:37,000,896, plus strand): 5'-AAAAGAAAAACAGAAGAAAAGGAAAGCATATGAACCAAAACTAACACCTGAAGGTAACAC[GTTAGT>G]TTATTTAATTTGTCTTTATTCATATTCTTCAGCTTCACATGTCTACTTGTAATGTGAGAA-3'

ClinVar aggregate classification (germline): Uncertain significance (1 of 4 stars; one submission).

Conditions:
Cornelia de Lange syndrome 1 (CDLS1). Also called: TYPUS DEGENERATIVUS AMSTELODAMENSIS; Brachmann de Lange syndrome; NIPBL-Related Cornelia de Lange Syndrome. Identifiers: Orphanet 199, MedGen C4551851, MONDO:0007387, OMIM 122470.

Submission:

Labcorp Genetics (formerly Invitae), Labcorp
Classification: Uncertain significance for Cornelia de Lange syndrome 1. Last evaluated: 2023-05-22. Review status: criteria provided, single submitter. Criteria: Invitae Variant Classification Sherloc (09022015). Collection method: clinical testing. Allele origin: germline.
Comment: In summary, the available evidence is currently insufficient to determine the role of this variant in disease. Therefore, it has been classified as a Variant of Uncertain Significance. Algorithms developed to predict the effect of sequence changes on RNA splicing suggest that this variant may disrupt the consensus splice site. This variant has not been reported in the literature in individuals affected with NIPBL-related conditions. This variant is present in population databases (no rsID available, gnomAD 0.007%). This sequence change falls in intron 13 of the NIPBL gene. It does not directly change the encoded amino acid sequence of the NIPBL protein.